The following is an entry in ClinVar:

NM_006031.6(PCNT):c.5803G>C (p.Val1935Leu)

Gene: PCNT (pericentrin; plus strand). Cytogenetic location: 21q22.3.
Variant type: single nucleotide variant.
Coding change: c.5803G>C on transcript NM_006031.6 (MANE Select); coding-DNA position 5803, G replaced by C.
Protein change: p.Val1935Leu; replaces valine 1935 with leucine.
Molecular consequence: missense variant.
Genome position (GRCh38, 1-based): chr21:46,411,876, G>C. VCF-style: chr21-46411876-G-C. GRCh37 (hg19) VCF-style: chr21-47831790-G-C.
Other names: c.5449G>C, p.Val1817Leu (NM_001315529.2); short protein forms V1935L, V1817L.
Identifiers: ClinVar variation 388206 (VCV000388206.5), dbSNP rs774248299, ClinGen allele CA16609074.
Genomic context (GRCh38, chr21:46,411,876, plus strand): 5'-GCGCCTCCCGAGCTGCAGTGGCTCCGAGCGCAGTGTGCCCGCCTCAGCCGCCAGCTGCAG[G>C]TGCTGCACCAGCGGTTCCTGAGGTGCCAGGTGGAGCTGGACAGGCGGCAGGCCCGCAGAG-3'
Protein context (NP_006022.3, residues 1925-1945): QCARLSRQLQ[Val1935Leu]LHQRFLRCQV

ClinVar aggregate classification (germline): Conflicting classifications of pathogenicity. Review status: criteria provided, conflicting classifications (1 of 4 stars). 3 submissions from 3 submitters: Uncertain significance (2); Likely benign (1). Last evaluated 2026-08-27.

Conditions:
PCNT-related disorder. Also called: PCNT-related condition.

Allele frequency attached by ClinVar (database versions not stated): gnomAD 0.00003 and 0.00004; TOPMed 0.00003.
gnomAD v4.1: 59 of 1,570,630 alleles (0.0038%); highest among the groups gnomAD compares: Non-Finnish European, 0.0049%; no homozygotes.

Submissions (3):

PreventionGenetics, part of Exact Sciences
Classification: Uncertain significance for PCNT-related condition. Last evaluated: 2026-08-27. Review status: criteria provided, single submitter. Criteria: ACMG Guidelines, 2015. Collection method: clinical testing. Allele origin: germline.
Comment: The PCNT c.5803G>C variant is predicted to result in the amino acid substitution p.Val1935Leu. To our knowledge, this variant has not been reported in the literature. This variant is reported in 0.0076% of alleles in individuals of European (Non-Finnish) descent in gnomAD. At this time, the clinical significance of this variant is uncertain due to the absence of conclusive functional and genetic evidence.

Labcorp Genetics (formerly Invitae), Labcorp
Classification: Uncertain significance. Last evaluated: 2024-10-07. Review status: criteria provided, single submitter. Criteria: Invitae Variant Classification Sherloc (09022015). Collection method: clinical testing. Allele origin: germline.
Comment: This sequence change replaces valine, which is neutral and non-polar, with leucine, which is neutral and non-polar, at codon 1935 of the PCNT protein (p.Val1935Leu). This variant is present in population databases (no rsID available, gnomAD 0.008%). This variant has not been reported in the literature in individuals affected with PCNT-related conditions. ClinVar contains an entry for this variant (Variation ID: 388206). An algorithm developed to predict the effect of missense changes on protein structure and function outputs the following: PolyPhen-2: "Benign". The leucine amino acid residue is found in multiple mammalian species, which suggests that this missense change does not adversely affect protein function. In summary, the available evidence is currently insufficient to determine the role of this variant in disease. Therefore, it has been classified as a Variant of Uncertain Significance.

GeneDx
Classification: Likely benign. Last evaluated: 2016-08-03. Review status: criteria provided, single submitter. Criteria: GeneDx Variant Classification (06012015). Collection method: clinical testing. Allele origin: germline. Affected: yes.
Comment: This variant is considered likely benign or benign based on one or more of the following criteria: it is a conservative change, it occurs at a poorly conserved position in the protein, it is predicted to be benign by multiple in silico algorithms, and/or has population frequency not consistent with disease.